The following is an entry in ClinVar:

NM_001375567.1(FOCAD):c.2470A>C (p.Asn824His)

Gene: FOCAD (focadhesin; plus strand). Cytogenetic location: 9p21.3.
Variant type: single nucleotide variant.
Coding change: c.2470A>C on transcript NM_001375567.1 (MANE Select); coding-DNA position 2470, A replaced by C.
Protein change: p.Asn824His; replaces asparagine 824 with histidine.
Molecular consequence: missense variant.
Genome position (GRCh38, 1-based): chr9:20,882,023, A>C. VCF-style: chr9-20882023-A-C. GRCh37 (hg19) VCF-style: chr9-20882022-A-C.
Other names: c.2365A>C, p.Asn789His (NM_001375568.1, NM_001375570.1); c.2470A>C, p.Asn824His (NM_017794.5); short protein forms N789H, N824H.
Identifiers: ClinVar variation 4731949 (VCV004731949.1).

ClinVar aggregate classification (germline): Uncertain significance (1 of 4 stars; one submission).

Submission:

Labcorp Genetics (formerly Invitae), Labcorp
Classification: Uncertain significance. Last evaluated: 2025-12-01. Review status: criteria provided, single submitter. Criteria: Invitae Variant Classification Sherloc (09022015). Collection method: clinical testing. Allele origin: germline.
Comment: This sequence change replaces asparagine, which is neutral and polar, with histidine, which is basic and polar, at codon 824 of the FOCAD protein (p.Asn824His). This variant is not present in population databases (gnomAD no frequency). This variant has not been reported in the literature in individuals affected with FOCAD-related conditions. Experimental studies and prediction algorithms are not available or were not evaluated, and the functional significance of this variant is currently unknown. In summary, the available evidence is currently insufficient to determine the role of this variant in disease. Therefore, it has been classified as a Variant of Uncertain Significance.